The following is an entry in ClinVar:

ClinVar aggregate classification (germline): Conflicting classifications of pathogenicity. Review status: criteria provided, conflicting classifications (1 of 4 stars). 7 submissions from 7 submitters: Uncertain significance (6); Likely benign (1). Last evaluated 2026-10-21.

Conditions:
Pierson syndrome. Also called: MICROCORIA-CONGENITAL NEPHROTIC SYNDROME. Identifiers: Orphanet 2670, MedGen C1836876, MONDO:0012184, OMIM 609049.
LAMB2-related infantile-onset nephrotic syndrome. Also called: NEPHROTIC SYNDROME, TYPE 5, WITHOUT OCULAR ABNORMALITIES; NEPHROTIC SYNDROME, TYPE 5, WITH OCULAR ABNORMALITIES; Nephrotic Syndrome, type 5. Identifiers: Orphanet 306507, MedGen C3280113, MONDO:0013621, OMIM 614199.

Allele frequency attached by ClinVar (database versions not stated): ESP Exome Variant Server 0.00015; 1000 Genomes Project 30x 0.00016; 1000 Genomes Project 0.00020; gnomAD 0.00025 and 0.00027; ExAC 0.00031; gnomAD exomes 0.00032 and 0.00038; TOPMed 0.00034.
gnomAD v4.1: 534 of 1,614,210 alleles (0.033%); highest among the groups gnomAD compares: Middle Eastern, 0.59%; 3 homozygotes.

Submissions (7):

GeneDx
Classification: Uncertain significance. Last evaluated: 2026-10-21. Review status: criteria provided, single submitter. Criteria: GeneDx Variant Classification Process June 2021. Collection method: clinical testing. Allele origin: germline.
Comment: In silico analysis supports that this missense variant has a deleterious effect on protein structure/function; This variant is associated with the following publications: (PMID: 26108971, 23595123, 31831576)

Women's Health and Genetics/Laboratory Corporation of America, LabCorp
Classification: Uncertain significance. Last evaluated: 2026-06-11. Review status: criteria provided, single submitter. Criteria: LabCorp Variant Classification Summary - May 2015. Collection method: clinical testing. Allele origin: germline.
Comment: Variant summary: LAMB2 c.1931G>A (p.Arg644His) results in a non-conservative amino acid change in the encoded protein sequence. Algorithms developed to predict the effect of missense changes on protein structure and function are either unavailable or do not agree on the potential impact of this missense change. The variant allele was found at a frequency of 0.00038 in 251322 control chromosomes (gnomAD). This frequency is not significantly higher than estimated for disease-causing variants in LAMB2, allowing no conclusion about variant significance. c.1931G>A has been reported in the literature in the compound heterozygous state in at least one individual affected with features of LAMB2-related conditions (Landini_2020). These data do not allow any conclusion about variant significance. To our knowledge, no experimental evidence demonstrating an impact on protein function has been reported. The following publications have been ascertained in the context of this evaluation (PMID: 31831576, 23595123, 26108971). ClinVar contains an entry for this variant (Variation ID: 577021). Based on the evidence outlined above, the variant was classified as uncertain significance.

CeGaT Center for Human Genetics Tuebingen
Classification: Likely benign. Last evaluated: 2026-01-01. Review status: criteria provided, single submitter. Criteria: CeGaT Center For Human Genetics Tuebingen Variant Classification Criteria Version 2. Collection method: clinical testing. Allele origin: germline. Affected: yes. Observed: 3 variant alleles.
Comment: LAMB2: BP4

Labcorp Genetics (formerly Invitae), Labcorp
Classification: Uncertain significance for LAMB2-related infantile-onset nephrotic syndrome; Pierson syndrome. Last evaluated: 2025-02-03. Review status: criteria provided, single submitter. Criteria: Invitae Variant Classification Sherloc (09022015). Collection method: clinical testing. Allele origin: germline.
Comment: This sequence change replaces arginine, which is basic and polar, with histidine, which is basic and polar, at codon 644 of the LAMB2 protein (p.Arg644His). This variant is present in population databases (rs200738080, gnomAD 0.1%). This missense change has been observed in individual(s) with nephrotic syndrome or chronic kidney disease (PMID: 23595123, 26108971, 31831576). ClinVar contains an entry for this variant (Variation ID: 577021). An algorithm developed to predict the effect of missense changes on protein structure and function (PolyPhen-2) suggests that this variant is likely to be disruptive. In summary, the available evidence is currently insufficient to determine the role of this variant in disease. Therefore, it has been classified as a Variant of Uncertain Significance.

Genomic Medicine Center of Excellence, King Faisal Specialist Hospital and Research Centre
Classification: Uncertain significance for Pierson syndrome. Last evaluated: 2024-04-04. Review status: criteria provided, single submitter. Criteria: ACMG Guidelines, 2015. Collection method: clinical testing. Allele origin: germline.

Fulgent Genetics
Classification: Uncertain significance for Pierson syndrome; LAMB2-related infantile-onset nephrotic syndrome. Last evaluated: 2018-10-31. Review status: criteria provided, single submitter. Criteria: ACMG Guidelines, 2015. Collection method: clinical testing. Allele origin: unknown.

Breakthrough Genomics
Classification: Uncertain significance. Review status: criteria provided, single submitter. Criteria: ACMG Guidelines, 2015. Collection method: not provided. Allele origin: germline. Inheritance: Autosomal recessive inheritance. Affected: yes.

Literature cited by the submitters: PubMed 23595123 (cited by Women's Health and Genetics/Laboratory Corporation of America, LabCorp and Labcorp Genetics (formerly Invitae), Labcorp); PubMed 31831576 (cited by Women's Health and Genetics/Laboratory Corporation of America, LabCorp and Labcorp Genetics (formerly Invitae), Labcorp); PubMed 26108971 (cited by Women's Health and Genetics/Laboratory Corporation of America, LabCorp and Labcorp Genetics (formerly Invitae), Labcorp).

NM_002292.4(LAMB2):c.1931G>A (p.Arg644His)

Gene: LAMB2 (laminin subunit beta 2; minus strand). Cytogenetic location: 3p21.31.
Variant type: single nucleotide variant.
Coding change: c.1931G>A on transcript NM_002292.4 (MANE Select); coding-DNA position 1931, G replaced by A.
Protein change: p.Arg644His; replaces arginine 644 with histidine.
Molecular consequence: missense variant.
Genome position (GRCh38, 1-based): chr3:49,128,545, C>T on the plus strand (G>A on the coding strand, the complement: LAMB2 is on the minus strand). VCF-style: chr3-49128545-C-T. GRCh37 (hg19) VCF-style: chr3-49165978-C-T.
Other names: short protein forms R644H.
Identifiers: ClinVar variation 577021 (VCV000577021.42), dbSNP rs200738080, ClinGen allele CA2394452.